The following is an entry in ClinVar:

ClinVar aggregate classification (germline): Uncertain significance (1 of 4 stars; one submission).

Submission:

Labcorp Genetics (formerly Invitae), Labcorp
Classification: Uncertain significance. Last evaluated: 2024-10-24. Review status: criteria provided, single submitter. Criteria: Invitae Variant Classification Sherloc (09022015). Collection method: clinical testing. Allele origin: germline.
Comment: This sequence change replaces glutamic acid, which is acidic and polar, with lysine, which is basic and polar, at codon 1218 of the C2CD3 protein (p.Glu1218Lys). This variant is not present in population databases (gnomAD no frequency). This variant has not been reported in the literature in individuals affected with C2CD3-related conditions. ClinVar contains an entry for this variant (Variation ID: 2000046). Invitae Evidence Modeling of protein sequence and biophysical properties (such as structural, functional, and spatial information, amino acid conservation, physicochemical variation, residue mobility, and thermodynamic stability) indicates that this missense variant is not expected to disrupt C2CD3 protein function with a negative predictive value of 80%. In summary, the available evidence is currently insufficient to determine the role of this variant in disease. Therefore, it has been classified as a Variant of Uncertain Significance.

NM_001286577.2(C2CD3):c.3652G>A (p.Glu1218Lys)

Gene: C2CD3 (C2 domain containing 3 centriole elongation regulator; minus strand). Cytogenetic location: 11q13.4.
Variant type: single nucleotide variant.
Coding change: c.3652G>A on transcript NM_001286577.2 (MANE Select); coding-DNA position 3652, G replaced by A.
Protein change: p.Glu1218Lys; replaces glutamic acid 1218 with lysine.
Molecular consequence: missense variant.
Genome position (GRCh38, 1-based): chr11:74,085,876, C>T on the plus strand (G>A on the coding strand, the complement: C2CD3 is on the minus strand). VCF-style: chr11-74085876-C-T. GRCh37 (hg19) VCF-style: chr11-73796921-C-T.
Other names: c.3652G>A, p.Glu1218Lys (NM_015531.6); short protein forms E1218K.
Identifiers: ClinVar variation 2000046 (VCV002000046.4), dbSNP rs2496387940, ClinGen allele CA381821316.